The following is an entry in ClinVar:

NM_001378969.1(KCND3):c.-72-119T>C

Gene: KCND3 (potassium voltage-gated channel subfamily D member 3; minus strand). Cytogenetic location: 1p13.2.
Variant type: single nucleotide variant.
Coding change: c.-72-119T>C on transcript NM_001378969.1 (MANE Select); 119 bases into the intron before 72 bases upstream of the start codon, T replaced by C.
Molecular consequence: intron variant.
Genome position (GRCh38, 1-based): chr1:111,982,917, A>G on the plus strand (T>C on the coding strand, the complement: KCND3 is on the minus strand). VCF-style: chr1-111982917-A-G. GRCh37 (hg19) VCF-style: chr1-112525539-A-G.
Other names: c.-72-119T>C (NM_001378970.1, NM_172198.3, NM_004980.5).
Identifiers: ClinVar variation 682137 (VCV000682137.1), dbSNP rs142774938, ClinGen allele CA29326337.

ClinVar aggregate classification (germline): Likely benign (1 of 4 stars; one submission).

Allele frequency attached by ClinVar (database versions not stated): gnomAD exomes 0.00041; 1000 Genomes Project 0.00399; gnomAD 0.00417 and 0.00446; 1000 Genomes Project 30x 0.00468; TOPMed 0.00491.
gnomAD v4.1: 896 of 737,296 alleles (0.12%); highest among the groups gnomAD compares: African/African-American, 1.4%; 6 homozygotes.

Submission:

GeneDx
Classification: Likely benign. Last evaluated: 2018-06-14. Review status: criteria provided, single submitter. Criteria: GeneDx Variant Classification (06012015). Collection method: clinical testing. Allele origin: germline. Affected: yes.
Comment: This variant is considered likely benign or benign based on one or more of the following criteria: it is a conservative change, it occurs at a poorly conserved position in the protein, it is predicted to be benign by multiple in silico algorithms, and/or has population frequency not consistent with disease.